The following is an entry in ClinVar:

ClinVar aggregate classification (germline): Benign/Likely benign. Review status: criteria provided, multiple submitters, no conflicts (2 of 4 stars). 5 submissions from 5 submitters: Benign (1); Likely benign (4). Last evaluated 2026-07-17.

Conditions:
SMARCA4-related disorder. Also called: SMARCA4-related condition.
Hereditary cancer-predisposing syndrome. Also called: Hereditary Cancer Syndrome; Hereditary neoplastic syndrome; Neoplastic Syndromes, Hereditary; Tumor predisposition. Identifiers: Orphanet 140162, MedGen C0027672, MeSH D009386, MONDO:0015356.
Rhabdoid tumor predisposition syndrome 2 (RTPS2). Identifiers: Orphanet 231108, Orphanet 69077, MedGen C2750074, MONDO:0013224, OMIM 613325.

Allele frequency attached by ClinVar (database versions not stated): TOPMed 0.00005; gnomAD exomes 0.00003; gnomAD 0.00001; ExAC 0.00005.
gnomAD v4.1: 32 of 1,612,422 alleles (0.002%); highest among the groups gnomAD compares: Middle Eastern, 0.017%; no homozygotes.

Submissions (5):

Myriad Genetics, Inc.
Classification: Benign for Rhabdoid tumor predisposition syndrome 2. Last evaluated: 2026-07-17. Review status: criteria provided, single submitter. Criteria: Myriad Autosomal Dominant, Autosomal Recessive and X-Linked Classification Criteria (2023). Collection method: clinical testing. Allele origin: unknown.
Comment: This variant is considered benign. This variant is a silent/synonymous amino acid change and it is not expected to impact splicing.

Labcorp Genetics (formerly Invitae), Labcorp
Classification: Likely benign for Rhabdoid tumor predisposition syndrome 2. Last evaluated: 2026-01-21. Review status: criteria provided, single submitter. Criteria: Invitae Variant Classification Sherloc (09022015). Collection method: clinical testing. Allele origin: germline.

PreventionGenetics, part of Exact Sciences
Classification: Likely benign for SMARCA4-related condition. Last evaluated: 2025-10-30. Review status: criteria provided, single submitter. Criteria: ACMG Guidelines, 2015. Collection method: clinical testing. Allele origin: germline.
Comment: This variant is classified as likely benign based on ACMG/AMP sequence variant interpretation guidelines (Richards et al. 2015 PMID: 25741868, with internal and published modifications).

Sema4
Classification: Likely benign for Hereditary cancer-predisposing syndrome. Last evaluated: 2021-02-07. Review status: criteria provided, single submitter. Criteria: Sema4 Curation Guidelines. Collection method: curation. Allele origin: germline.

Ambry Genetics
Classification: Likely benign for Hereditary cancer-predisposing syndrome. Last evaluated: 2015-08-04. Review status: criteria provided, single submitter. Criteria: Ambry Variant Classification Scheme 2023. Collection method: clinical testing. Allele origin: germline.

NM_003072.5(SMARCA4):c.4056G>A (p.Ala1352=)

Gene: SMARCA4 (SWI/SNF related BAF chromatin remodeling complex subunit ATPase 4; plus strand). Cytogenetic location: 19p13.2.
Variant type: single nucleotide variant.
Coding change: c.4056G>A on transcript NM_003072.5 (MANE Select); coding-DNA position 4056, G replaced by A.
Protein change: p.Ala1352=; no amino-acid change (alanine 1352 retained).
Molecular consequence: synonymous variant. On other transcripts: non-coding transcript variant (1).
Genome position (GRCh38, 1-based): chr19:11,035,018, G>A. VCF-style: chr19-11035018-G-A. GRCh37 (hg19) VCF-style: chr19-11145694-G-A.
Other names: c.3957G>A, p.Ala1319= (NM_001128845.2, NM_001128846.2, NM_001128847.4 and 2 more transcripts); c.4056G>A, p.Ala1352= (NM_001128849.3, NM_001387283.1, NM_001128844.3).
Identifiers: ClinVar variation 415108 (VCV000415108.20), dbSNP rs765686829, ClinGen allele CA9204586.
Genomic context (GRCh38, chr19:11,035,018, plus strand): 5'-GCGGAAGCCGCGCCTCATGGAGGAGGACGAGCTCCCCTCGTGGATCATCAAGGACGACGC[G>A]GAGGTGGAGCGGCTGACCTGTGAGGAGGAGGAGGAGAAGATGTTCGGCCGTGGCTCCCGC-3'
Protein context (NP_003063.2, residues 1342-1362): ELPSWIIKDD[Ala1352=]EVERLTCEEE